The following is an entry in ClinVar:

ClinVar aggregate classification (germline): Uncertain significance (1 of 4 stars; one submission).

Conditions:
Luscan-Lumish syndrome. Identifiers: Orphanet 597738, MedGen C4085873, MONDO:0014791, OMIM 616831.

Allele frequency attached by ClinVar (database versions not stated): ExAC 0.00002; gnomAD exomes below 0.00001 and 0.00001; TOPMed 0.00001.
gnomAD v4.1: 5 of 1,613,960 alleles (0.00031%); highest among the groups gnomAD compares: East Asian, 0.0045%; no homozygotes.

Submission:

Labcorp Genetics (formerly Invitae), Labcorp
Classification: Uncertain significance for Luscan-Lumish syndrome. Last evaluated: 2022-06-05. Review status: criteria provided, single submitter. Criteria: Invitae Variant Classification Sherloc (09022015). Collection method: clinical testing. Allele origin: germline.
Comment: In summary, the available evidence is currently insufficient to determine the role of this variant in disease. Therefore, it has been classified as a Variant of Uncertain Significance. This sequence change replaces arginine, which is basic and polar, with tryptophan, which is neutral and slightly polar, at codon 2490 of the SETD2 protein (p.Arg2490Trp). This variant is present in population databases (rs772135964, gnomAD 0.006%). This variant has not been reported in the literature in individuals affected with SETD2-related conditions. ClinVar contains an entry for this variant (Variation ID: 1490895). Algorithms developed to predict the effect of missense changes on protein structure and function are either unavailable or do not agree on the potential impact of this missense change (SIFT: "Deleterious"; PolyPhen-2: "Benign"; Align-GVGD: "Class C0").

NM_014159.7(SETD2):c.7468C>T (p.Arg2490Trp)

Gene: SETD2 (SET domain containing 2, histone lysine methyltransferase; minus strand). Cytogenetic location: 3p21.31.
Variant type: single nucleotide variant.
Coding change: c.7468C>T on transcript NM_014159.7 (MANE Select); coding-DNA position 7468, C replaced by T.
Protein change: p.Arg2490Trp; replaces arginine 2490 with tryptophan.
Molecular consequence: missense variant. On other transcripts: non-coding transcript variant (1).
Genome position (GRCh38, 1-based): chr3:47,017,703, G>A on the plus strand (C>T on the coding strand, the complement: SETD2 is on the minus strand). VCF-style: chr3-47017703-G-A. GRCh37 (hg19) VCF-style: chr3-47059193-G-A.
Other names: c.7336C>T, p.Arg2446Trp (NM_001349370.3); short protein forms R2446W, R2490W.
Identifiers: ClinVar variation 1490895 (VCV001490895.6), dbSNP rs772135964, ClinGen allele CA2362481.